The following is an entry in ClinVar:

NM_000548.5(TSC2):c.4489C>A (p.Pro1497Thr)

Gene: TSC2 (TSC complex subunit 2; plus strand). Cytogenetic location: 16p13.3.
Variant type: single nucleotide variant.
Coding change: c.4489C>A on transcript NM_000548.5 (MANE Select); coding-DNA position 4489, C replaced by A.
Protein change: p.Pro1497Thr; replaces proline 1497 with threonine.
Molecular consequence: missense variant.
Genome position (GRCh38, 1-based): chr16:2,084,711, C>A. VCF-style: chr16-2084711-C-A. GRCh37 (hg19) VCF-style: chr16-2134712-C-A.
Other names: c.4288C>A, p.Pro1430Thr (NM_001077183.3); c.4420C>A, p.Pro1474Thr (NM_001114382.3); c.4180C>A, p.Pro1394Thr (NM_001318827.2); c.4144C>A, p.Pro1382Thr (NM_001318829.2); c.3757C>A, p.Pro1253Thr (NM_001318831.2); c.4321C>A, p.Pro1441Thr (NM_001318832.2); c.4291C>A, p.Pro1431Thr (NM_001363528.2); c.4357C>A, p.Pro1453Thr (NM_001370404.1); and 1 more; short protein forms P1497T, P1253T, P1394T, P1430T, P1431T, P1453T, P1382T, P1441T.
Identifiers: ClinVar variation 49490 (VCV000049490.11), dbSNP rs45517344, ClinGen allele CA020509.

ClinVar aggregate classification (germline): Pathogenic/Likely pathogenic. Review status: criteria provided, multiple submitters, no conflicts (2 of 4 stars). 5 submissions from 5 submitters: Pathogenic (1); Likely pathogenic (3). 1 of the submissions does not count toward it. Last evaluated 2025-10-21.

Conditions:
Tuberous sclerosis 2 (TSC2). Identifiers: Orphanet 805, MedGen C1860707, MONDO:0013199, OMIM 613254.
Tuberous sclerosis syndrome (TSC). Also called: Tuberous Sclerosis Complex; Tuberous sclerosis. Identifiers: Orphanet 805, MedGen C0041341, MONDO:0001734.

Submissions (5):

NHS Central & South Genomic Laboratory Hub
Classification: Likely pathogenic for Tuberous sclerosis. Last evaluated: 2025-10-21. Review status: criteria provided, single submitter. Criteria: ACMG Guidelines, 2015. Collection method: clinical testing. Allele origin: germline. Affected: yes.

GeneDx
Classification: Pathogenic. Last evaluated: 2023-10-02. Review status: criteria provided, single submitter. Criteria: GeneDx Variant Classification Process June 2021. Collection method: clinical testing. Allele origin: germline. Affected: yes.
Comment: Reported previously in a familial case of tuberous sclerosis complex; however, no inheritance or family information was provided (PMID: 17304050); Published functional studies demonstrate a damaging effect and show that this variant reduces TSC2 signal and increases T389/S6K phosphorylation (PMID: 21309039); In silico analysis supports that this missense variant has a deleterious effect on protein structure/function; Not observed at significant frequency in large population cohorts (gnomAD); This variant is associated with the following publications: (PMID: 37311496, 17304050, 12136241, 21309039)

Labcorp Genetics (formerly Invitae), Labcorp
Classification: Likely pathogenic for Tuberous sclerosis 2. Last evaluated: 2021-08-11. Review status: criteria provided, single submitter. Criteria: Invitae Variant Classification Sherloc (09022015). Collection method: clinical testing. Allele origin: germline.
Comment: This variant is not present in population databases (ExAC no frequency). This sequence change replaces proline with threonine at codon 1497 of the TSC2 protein (p.Pro1497Thr). The proline residue is highly conserved and there is a small physicochemical difference between proline and threonine. This variant has been observed in individual(s) with tuberous sclerosis (Invitae). ClinVar contains an entry for this variant (Variation ID: 49490). Advanced modeling of protein sequence and biophysical properties (such as structural, functional, and spatial information, amino acid conservation, physicochemical variation, residue mobility, and thermodynamic stability) performed at Invitae indicates that this missense variant is expected to disrupt TSC2 protein function. This variant disrupts the p.Pro1497 amino acid residue in TSC2. Other variant(s) that disrupt this residue have been determined to be pathogenic (Invitae). This suggests that this residue is clinically significant, and that variants that disrupt this residue are likely to be disease-causing. In summary, the currently available evidence indicates that the variant is pathogenic, but additional data are needed to prove that conclusively. Therefore, this variant has been classified as Likely Pathogenic.

Juno Genomics, Hangzhou Juno Genomics, Inc
Classification: Likely pathogenic for Tuberous sclerosis 2. Review status: criteria provided, single submitter. Criteria: ACMG Guidelines, 2015. Collection method: clinical testing. Allele origin: germline. Affected: yes.
Comment: Absent from controls (or at extremely low frequency if recessive) in Genome Aggregation Database, Exome Sequencing Project, 1000 Genomes Project, or Exome Aggregation Consortium.;Multiple lines of computational evidence support a deleterious effect on the gene or gene product (conservation, evolutionary, splicing impact, etc).;Novel missense change at an amino acid residue where a different missense change determined to be pathogenic has been seen before.;The prevalence of the variant in affected individuals is significantly increased compared to the prevalence in controls.;Assumed de novo, but without confirmation of paternity and maternity.;Patient's phenotype or family history is highly specific for a disease with a single genetic etiology.

Tuberous sclerosis database (TSC2)
No classification provided. Condition: TSC. Review status: no classification provided. Criteria: Tuberous Sclerosis Database Assertion Criteria 2015. Collection method: curation. Allele origin: germline. Affected: yes. Not counted in ClinVar's aggregate classification.